The following is an entry in ClinVar:

NM_000334.4(SCN4A):c.483-2dup

Gene: SCN4A (sodium voltage-gated channel alpha subunit 4; minus strand). Cytogenetic location: 17q23.3.
Variant type: Duplication.
Coding change: c.483-2dup on transcript NM_000334.4 (MANE Select); the canonical splice acceptor site of the intron before coding-DNA position 483, one base duplicated (A; older notation c.483-2dupA).
Molecular consequence: splice acceptor variant.
Genome position (GRCh38, 1-based): chr17:63,971,852, T duplicated on the plus strand (A on the coding strand, the reverse complement: SCN4A is on the minus strand). VCF-style (leftmost placement, unchanged base first): chr17-63971851-C-CT. GRCh37 (hg19) VCF-style: chr17-62049211-C-CT.
Identifiers: ClinVar variation 1026786 (VCV001026786.14), dbSNP rs1909619860, ClinGen allele CA2270175562.

ClinVar aggregate classification (germline): Uncertain significance (1 of 4 stars; one submission).

Conditions:
Hyperkalemic periodic paralysis. Also called: Familial hyperkalemic periodic paralysis; Gamstorp disease. Identifiers: Orphanet 682, MedGen C0238357, MONDO:0008224, OMIM 170500, HP:0007215.

Submission:

Labcorp Genetics (formerly Invitae), Labcorp
Classification: Uncertain significance for Hyperkalemic periodic paralysis. Last evaluated: 2025-12-10. Review status: criteria provided, single submitter. Criteria: Invitae Variant Classification Sherloc (09022015). Collection method: clinical testing. Allele origin: germline.
Comment: This sequence change falls in intron 3 of the SCN4A gene. It does not directly change the encoded amino acid sequence of the SCN4A protein. It affects a nucleotide within the consensus splice site. This variant is not present in population databases (gnomAD no frequency). This variant has not been reported in the literature in individuals affected with SCN4A-related conditions. ClinVar contains an entry for this variant (Variation ID: 1026786). Variants that disrupt the consensus splice site are a relatively common cause of aberrant splicing (PMID: 17576681, 9536098). Algorithms developed to predict the effect of sequence changes on RNA splicing suggest that this variant may create or strengthen a splice site. In summary, the available evidence is currently insufficient to determine the role of this variant in disease. Therefore, it has been classified as a Variant of Uncertain Significance.

Literature cited by the submitters: PubMed 17576681; PubMed 9536098.